The following is an entry in ClinVar:

NM_001903.5(CTNNA1):c.142T>G (p.Ser48Ala)

Gene: CTNNA1 (catenin alpha 1; plus strand). Cytogenetic location: 5q31.2.
Variant type: single nucleotide variant.
Coding change: c.142T>G on transcript NM_001903.5 (MANE Select); coding-DNA position 142, T replaced by G.
Protein change: p.Ser48Ala; replaces serine 48 with alanine.
Molecular consequence: missense variant. On other transcripts: intron variant (1), 5 prime UTR variant (1).
Genome position (GRCh38, 1-based): chr5:138,783,213, T>G. VCF-style: chr5-138783213-T-G. GRCh37 (hg19) VCF-style: chr5-138118902-T-G.
Other names: c.142T>G, p.Ser48Ala (NM_001323985.2, NM_001323986.2, NM_001290307.3 and 3 more transcripts); c.-9+1184T>G (NM_001290309.3); c.142T>G (NM_001903.2); c.-65T>G (NM_001290310.3); short protein forms S48A.
Identifiers: ClinVar variation 1470418 (VCV001470418.9), dbSNP rs1755326643, ClinGen allele CA361477336.

ClinVar aggregate classification (germline): Uncertain significance. Review status: criteria provided, multiple submitters, no conflicts (2 of 4 stars). 2 submissions from 2 submitters: Uncertain significance (2). Last evaluated 2023-12-06.

Conditions:
Hereditary cancer-predisposing syndrome. Also called: Tumor predisposition; Hereditary Cancer Syndrome; Hereditary neoplastic syndrome; Neoplastic Syndromes, Hereditary. Identifiers: Orphanet 140162, MedGen C0027672, MeSH D009386, MONDO:0015356.

Submissions (2):

Labcorp Genetics (formerly Invitae), Labcorp
Classification: Uncertain significance. Last evaluated: 2023-12-06. Review status: criteria provided, single submitter. Criteria: Invitae Variant Classification Sherloc (09022015). Collection method: clinical testing. Allele origin: germline.
Comment: This sequence change replaces serine, which is neutral and polar, with alanine, which is neutral and non-polar, at codon 48 of the CTNNA1 protein (p.Ser48Ala). This variant is not present in population databases (gnomAD no frequency). This variant has not been reported in the literature in individuals affected with CTNNA1-related conditions. ClinVar contains an entry for this variant (Variation ID: 1470418). Advanced modeling of protein sequence and biophysical properties (such as structural, functional, and spatial information, amino acid conservation, physicochemical variation, residue mobility, and thermodynamic stability) has been performed at Invitae for this missense variant, however the output from this modeling did not meet the statistical confidence thresholds required to predict the impact of this variant on CTNNA1 protein function. In summary, the available evidence is currently insufficient to determine the role of this variant in disease. Therefore, it has been classified as a Variant of Uncertain Significance.

Ambry Genetics
Classification: Uncertain significance for Hereditary cancer-predisposing syndrome. Last evaluated: 2023-08-03. Review status: criteria provided, single submitter. Criteria: Ambry Variant Classification Scheme 2023. Collection method: clinical testing. Allele origin: germline.
Comment: The p.S48A variant (also known as c.142T>G), located in coding exon 2 of the CTNNA1 gene, results from a T to G substitution at nucleotide position 142. The serine at codon 48 is replaced by alanine, an amino acid with similar properties. This amino acid position is conserved. In addition, the in silico prediction for this alteration is inconclusive. Since supporting evidence is limited at this time, the clinical significance of this alteration remains unclear.